The following is an entry in ClinVar:

ClinVar aggregate classification (germline): Uncertain significance (1 of 4 stars; one submission).

Submission:

Labcorp Genetics (formerly Invitae), Labcorp
Classification: Uncertain significance. Last evaluated: 2023-01-14. Review status: criteria provided, single submitter. Criteria: Invitae Variant Classification Sherloc (09022015). Collection method: clinical testing. Allele origin: germline.
Comment: This sequence change replaces serine, which is neutral and polar, with glycine, which is neutral and non-polar, at codon 490 of the CSF1R protein (p.Ser490Gly). This variant is not present in population databases (gnomAD no frequency). This variant has not been reported in the literature in individuals affected with CSF1R-related conditions. Advanced modeling of protein sequence and biophysical properties (such as structural, functional, and spatial information, amino acid conservation, physicochemical variation, residue mobility, and thermodynamic stability) performed at Invitae indicates that this missense variant is not expected to disrupt CSF1R protein function. In summary, the available evidence is currently insufficient to determine the role of this variant in disease. Therefore, it has been classified as a Variant of Uncertain Significance.

NM_001288705.3(CSF1R):c.1468A>G (p.Ser490Gly)

Gene: CSF1R (colony stimulating factor 1 receptor; minus strand). Cytogenetic location: 5q32.
Variant type: single nucleotide variant.
Coding change: c.1468A>G on transcript NM_001288705.3 (MANE Select); coding-DNA position 1468, A replaced by G.
Protein change: p.Ser490Gly; replaces serine 490 with glycine.
Molecular consequence: missense variant. On other transcripts: non-coding transcript variant (2).
Genome position (GRCh38, 1-based): chr5:150,069,915, T>C on the plus strand (A>G on the coding strand, the complement: CSF1R is on the minus strand). VCF-style: chr5-150069915-T-C. GRCh37 (hg19) VCF-style: chr5-149449478-T-C.
Other names: c.1468A>G, p.Ser490Gly (NM_001349736.2, NM_001375320.1, NM_005211.4); c.1024A>G, p.Ser342Gly (NM_001375321.1); short protein forms S490G, S342G.
Identifiers: ClinVar variation 2876133 (VCV002876133.3), dbSNP rs2481010330, ClinGen allele CA361719841.